The following is an entry in ClinVar:

NM_002241.5(KCNJ10):c.635A>G (p.Gln212Arg)

Gene: KCNJ10 (potassium inwardly rectifying channel subfamily J member 10; minus strand). Cytogenetic location: 1q23.2.
Variant type: single nucleotide variant.
Coding change: c.635A>G on transcript NM_002241.5 (MANE Select); coding-DNA position 635, A replaced by G.
Protein change: p.Gln212Arg; replaces glutamine 212 with arginine.
Molecular consequence: missense variant.
Genome position (GRCh38, 1-based): chr1:160,041,898, T>C on the plus strand (A>G on the coding strand, the complement: KCNJ10 is on the minus strand). VCF-style: chr1-160041898-T-C. GRCh37 (hg19) VCF-style: chr1-160011688-T-C.
Other names: short protein forms Q212R.
Identifiers: ClinVar variation 1449295 (VCV001449295.7), dbSNP rs36040296, ClinGen allele CA31470777.

ClinVar aggregate classification (germline): Uncertain significance. Review status: criteria provided, multiple submitters, no conflicts (2 of 4 stars). 2 submissions from 2 submitters: Uncertain significance (2). Last evaluated 2025-02-09.

Conditions:
EAST syndrome (SESAMES). Also called: SEIZURES, SENSORINEURAL DEAFNESS, ATAXIA, IMPAIRED INTELLECTUAL DEVELOPMENT, AND ELECTROLYTE IMBALANCE. Identifiers: Orphanet 199343, MedGen C2748572, MONDO:0013005, OMIM 612780.
Pendred syndrome (PDS). Also called: Pendred's syndrome; Pendred Syndrome (PDS); THYROID DYSHORMONOGENESIS 2B; THYROID HORMONOGENESIS, GENETIC DEFECT IN, 2B; DEAFNESS WITH GOITER; GOITER-DEAFNESS SYNDROME. Identifiers: Orphanet 705, MedGen C0271829, MONDO:0010134, OMIM 274600.
Autosomal recessive nonsyndromic hearing loss 4 (DFNB4). Also called: DEAFNESS, AUTOSOMAL RECESSIVE 4, WITH ENLARGED VESTIBULAR AQUEDUCT, DIGENIC; Nonsyndromic enlarged vestibular aqueduct (NSEVA); Deafness, autosomal recessive 4; NEUROSENSORY NONSYNDROMIC RECESSIVE DEAFNESS 4; FOXI1-Related Pendred Syndrome; KCNJ10-Related Pendred Syndrome. Identifiers: Orphanet 90636, MedGen C3538946, MONDO:0010933, OMIM 600791.

Allele frequency attached by ClinVar (database versions not stated): gnomAD 0.00001; gnomAD exomes 0.00001; TOPMed 0.00001.

Submissions (2):

Labcorp Genetics (formerly Invitae), Labcorp
Classification: Uncertain significance for EAST syndrome. Last evaluated: 2025-02-09. Review status: criteria provided, single submitter. Criteria: Invitae Variant Classification Sherloc (09022015). Collection method: clinical testing. Allele origin: germline.
Comment: This sequence change replaces glutamine, which is neutral and polar, with arginine, which is basic and polar, at codon 212 of the KCNJ10 protein (p.Gln212Arg). This variant is present in population databases (rs36040296, gnomAD 0.002%). This variant has not been reported in the literature in individuals affected with KCNJ10-related conditions. ClinVar contains an entry for this variant (Variation ID: 1449295). Invitae Evidence Modeling of protein sequence and biophysical properties (such as structural, functional, and spatial information, amino acid conservation, physicochemical variation, residue mobility, and thermodynamic stability) indicates that this missense variant is not expected to disrupt KCNJ10 protein function with a negative predictive value of 95%. Experimental studies have shown that this missense change affects KCNJ10 function (PMID: 26867573). In summary, the available evidence is currently insufficient to determine the role of this variant in disease. Therefore, it has been classified as a Variant of Uncertain Significance.

Fulgent Genetics
Classification: Uncertain significance for Pendred syndrome; Autosomal recessive nonsyndromic hearing loss 4; EAST syndrome. Last evaluated: 2021-12-15. Review status: criteria provided, single submitter. Criteria: ACMG Guidelines, 2015. Collection method: clinical testing. Allele origin: unknown.

Literature cited by the submitters: PubMed 26867573 (cited by Labcorp Genetics (formerly Invitae), Labcorp).